The following is an entry in ClinVar:

ClinVar aggregate classification (germline): Conflicting classifications of pathogenicity. Review status: criteria provided, conflicting classifications (1 of 4 stars). 11 submissions from 11 submitters: Uncertain significance (1); Benign (5); Likely benign (4). 1 of the submissions does not count toward it. Last evaluated 2026-01-26.

Conditions:
Dystrophin deficiency.
Duchenne muscular dystrophy (DMD). Also called: MUSCULAR DYSTROPHY, PSEUDOHYPERTROPHIC PROGRESSIVE, DUCHENNE TYPE; Duchenne Muscular Dystrophy (DMD). Identifiers: Orphanet 98896, MedGen C0013264, MONDO:0010679, OMIM 310200.
Cardiomyopathy (CMYO). Also called: Cardiomyopathies. Identifiers: Orphanet 167848, MedGen C0878544, MONDO:0004994, HP:0001638. Inheritance: Various modes of inheritance.
Becker muscular dystrophy (BMD). Also called: MUSCULAR DYSTROPHY, PSEUDOHYPERTROPHIC PROGRESSIVE, BECKER TYPE; Becker Muscular Dystrophy (BMD). Identifiers: Orphanet 98895, MedGen C0917713, MONDO:0010311, OMIM 300376.
Cardiovascular phenotype. Identifiers: MedGen CN230736.

Allele frequency attached by ClinVar (database versions not stated): ESP Exome Variant Server 0.00009; gnomAD exomes 0.00012; 1000 Genomes Project 30x 0.00021; 1000 Genomes Project 0.00026; gnomAD 0.00038; TOPMed 0.00041.
gnomAD v4.1: 173 of 1,208,982 alleles (0.014%); highest among the groups gnomAD compares: Middle Eastern, 0.28%; no homozygotes.

Submissions (11):

Labcorp Genetics (formerly Invitae), Labcorp
Classification: Benign for Duchenne muscular dystrophy. Last evaluated: 2026-01-26. Review status: criteria provided, single submitter. Criteria: Invitae Variant Classification Sherloc (09022015). Collection method: clinical testing. Allele origin: germline.

Mayo Clinic Laboratories, Mayo Clinic
Classification: Benign. Last evaluated: 2025-10-21. Review status: criteria provided, single submitter. Criteria: ACMG Guidelines, 2015. Collection method: clinical testing. Allele origin: germline. Observed: 3 variant alleles.
Comment: BS1, BS2, BP4, BP7

Molecular Diagnostic Laboratory for Inherited Cardiovascular Disease, Montreal Heart Institute
Classification: Likely benign. Last evaluated: 2025-04-09. Review status: criteria provided, single submitter. Criteria: ACMG Guidelines, 2015. Collection method: clinical testing. Allele origin: germline. Affected: no.

Blueprint Genetics
Classification: Likely benign. Last evaluated: 2024-11-28. Review status: criteria provided, single submitter. Criteria: ACMG Guidelines, 2015. Collection method: clinical testing. Allele origin: germline.

CeGaT Center for Human Genetics Tuebingen
Classification: Likely benign. Last evaluated: 2024-01-01. Review status: criteria provided, single submitter. Criteria: CeGaT Center For Human Genetics Tuebingen Variant Classification Criteria Version 2. Collection method: clinical testing. Allele origin: germline. Affected: yes. Observed: 1 variant allele.
Comment: DMD: BP4, BP7, BS2

Genome-Nilou Lab
Classification: Benign for Duchenne muscular dystrophy. Last evaluated: 2021-05-18. Review status: criteria provided, single submitter. Criteria: ACMG Guidelines, 2015. Collection method: clinical testing. Allele origin: germline. Affected: no.

Laboratory for Molecular Medicine, Mass General Brigham Personalized Medicine
Classification: Benign. Last evaluated: 2019-04-17. Review status: criteria provided, single submitter. Criteria: LMM Criteria. Collection method: clinical testing. Allele origin: germline. Observed: 1 variant allele.
Comment: The p.Ile1727Ile variant in DMD is classified as benign because it has been identified in 0.05% (14/27930) of Latino chromosomes and 20 hemizygotes by gnomAD. In addition, it does not alter an amino acid residue, it is not located within the splice consensus sequence, and splice prediction algorithms do not predict a newly created splice site. ACMG/AMP Criteria applied: BA1, BP4, BP7.

Ambry Genetics
Classification: Benign for Cardiovascular phenotype. Last evaluated: 2018-10-03. Review status: criteria provided, single submitter. Criteria: Ambry Variant Classification Scheme 2023. Collection method: clinical testing. Allele origin: germline.

GeneDx
Classification: Likely benign. Last evaluated: 2018-05-02. Review status: criteria provided, single submitter. Criteria: GeneDx Variant Classification Process June 2021. Collection method: clinical testing. Allele origin: germline. Affected: yes.

Eurofins Ntd Llc (ga)
Classification: Uncertain significance. Last evaluated: 2016-07-11. Review status: criteria provided, single submitter. Criteria: EGL Classification Definitions 2015. Collection method: clinical testing. Allele origin: germline. Observed: 3 variant alleles, 2 heterozygotes, 1 hemizygote.

Natera, Inc.
Classification: Likely benign for Becker muscular dystrophy; Cardiomyopathy; Duchenne muscular dystrophy; Dystrophin deficiency. Last evaluated: 2018-04-10. Review status: no assertion criteria provided. Collection method: clinical testing. Allele origin: germline. Not counted in ClinVar's aggregate classification.

NM_004006.3(DMD):c.5181A>T (p.Ile1727=)

Gene: DMD (dystrophin; minus strand). Cytogenetic location: Xp21.1.
Variant type: single nucleotide variant.
Coding change: c.5181A>T on transcript NM_004006.3 (MANE Select); coding-DNA position 5181, A replaced by T.
Protein change: p.Ile1727=; no amino-acid change (isoleucine 1727 retained).
Molecular consequence: synonymous variant.
Genome position (GRCh38, 1-based): chrX:32,362,932, T>A on the plus strand (A>T on the coding strand, the complement: DMD is on the minus strand). VCF-style: chrX-32362932-T-A. GRCh37 (hg19) VCF-style: chrX-32381049-T-A.
Other names: p.Ile1727=; c.5157A>T, p.Ile1719= (NM_000109.4); c.5169A>T, p.Ile1723= (NM_004009.3); c.4812A>T, p.Ile1604= (NM_004010.3); c.1158A>T, p.Ile386= (NM_004011.4); c.1149A>T, p.Ile383= (NM_004012.4).
Identifiers: ClinVar variation 94655 (VCV000094655.50), dbSNP rs200887855, ClinGen allele CA222423.